The following is an entry in ClinVar:

ClinVar aggregate classification (germline): Uncertain significance. Review status: criteria provided, multiple submitters, no conflicts (2 of 4 stars). 3 submissions from 3 submitters: Uncertain significance (3). Last evaluated 2025-02-27.

Conditions:
Hypertrophic cardiomyopathy 1 (CMH1). Also called: Familial hypertrophic cardiomyopathy 1; MYH7-Related Familial Hypertrophic Cardiomyopathy. Identifiers: MedGen C3495498, MONDO:0008647, OMIM 192600.

Allele frequency attached by ClinVar (database versions not stated): ExAC 0.00002; TOPMed 0.00004; gnomAD exomes 0.00005 and 0.00007; gnomAD 0.00006; ESP Exome Variant Server 0.00015.
gnomAD v4.1: 87 of 1,609,974 alleles (0.0054%); highest among the groups gnomAD compares: Non-Finnish European, 0.0014%; no homozygotes.

Submissions (3):

Labcorp Genetics (formerly Invitae), Labcorp
Classification: Uncertain significance for Hypertrophic cardiomyopathy 1. Last evaluated: 2025-02-27. Review status: criteria provided, single submitter. Criteria: Invitae Variant Classification Sherloc (09022015). Collection method: clinical testing. Allele origin: germline.
Comment: This sequence change replaces arginine, which is basic and polar, with lysine, which is basic and polar, at codon 567 of the MYLK2 protein (p.Arg567Lys). This variant is present in population databases (rs139331477, gnomAD 0.2%), and has an allele count higher than expected for a pathogenic variant. This variant has not been reported in the literature in individuals affected with MYLK2-related conditions. ClinVar contains an entry for this variant (Variation ID: 191741). An algorithm developed to predict the effect of missense changes on protein structure and function (PolyPhen-2) suggests that this variant is likely to be disruptive. In summary, the available evidence is currently insufficient to determine the role of this variant in disease. Therefore, it has been classified as a Variant of Uncertain Significance.

GeneDx
Classification: Uncertain significance. Last evaluated: 2022-06-01. Review status: criteria provided, single submitter. Criteria: GeneDx Variant Classification Process June 2021. Collection method: clinical testing. Allele origin: germline. Affected: yes.
Comment: In silico analysis supports that this missense variant does not alter protein structure/function; Has not been previously published as pathogenic or benign to our knowledge

Biesecker Lab/Clinical Genomics Section, National Institutes of Health
Classification: Uncertain significance. Last evaluated: 2013-06-24. Review status: criteria provided, single submitter. Criteria: Ng et al. (Circ Cardiovasc Genet. 2013). Collection method: research. Allele origin: unknown. Observed: 1 variant allele. Study: ClinSeq.
Comment: The study set was not selected for affection status in relation to any cancer. Pathogenicity categories were based on literature curation. See Pubmed ID:23861362 for details.

Medical sequencing

NM_033118.4(MYLK2):c.1700G>A (p.Arg567Lys)

Gene: MYLK2 (myosin light chain kinase 2; plus strand). Cytogenetic location: 20q11.21.
Variant type: single nucleotide variant.
Coding change: c.1700G>A on transcript NM_033118.4 (MANE Select); coding-DNA position 1700, G replaced by A.
Protein change: p.Arg567Lys; replaces arginine 567 with lysine.
Molecular consequence: missense variant.
Genome position (GRCh38, 1-based): chr20:31,832,126, G>A. VCF-style: chr20-31832126-G-A. GRCh37 (hg19) VCF-style: chr20-30419929-G-A.
Other names: short protein forms R567K.
Identifiers: ClinVar variation 191741 (VCV000191741.14), dbSNP rs139331477, ClinGen allele CA237421.